The following is an entry in ClinVar:

NM_001037.5(SCN1B):c.448+1G>A

Gene: SCN1B (sodium voltage-gated channel beta subunit 1; plus strand). Cytogenetic location: 19q13.11.
Variant type: single nucleotide variant.
Coding change: c.448+1G>A on transcript NM_001037.5 (MANE Select); the canonical splice donor site of the intron after coding-DNA position 448, G replaced by A.
Molecular consequence: splice donor variant. On other transcripts: missense variant (1).
Genome position (GRCh38, 1-based): chr19:35,033,740, G>A. VCF-style: chr19-35033740-G-A. GRCh37 (hg19) VCF-style: chr19-35524644-G-A.
Other names: c.449G>A, p.Gly150Asp (NM_199037.5); c.349+1G>A (NM_001321605.2); short protein forms G150D.
Identifiers: ClinVar variation 2768937 (VCV002768937.3), dbSNP rs112627820, ClinGen allele CA405329069.
Genomic context (GRCh38, chr19:35,033,740, plus strand): 5'-AAAACTACGAGCACAACACCAGCGTCGTCAAGAAGATCCACATTGAGGTAGTGGACAAAG[G>A]TGAGTCGGGTGCTGCCTGCCCCTTTACCGTCACCCACCGGAGAGCCAGATGGAGGGACAG-3'

ClinVar aggregate classification (germline): Uncertain significance (1 of 4 stars; one submission).

Conditions:
Brugada syndrome 5 (BRGDA5). Identifiers: Orphanet 130, Orphanet 871, MedGen C2748541, MONDO:0013015, OMIM 612838.

Submission:

Labcorp Genetics (formerly Invitae), Labcorp
Classification: Uncertain significance for Brugada syndrome 5. Last evaluated: 2023-10-16. Review status: criteria provided, single submitter. Criteria: Invitae Variant Classification Sherloc (09022015). Collection method: clinical testing. Allele origin: germline.
Comment: This sequence change replaces glycine, which is neutral and non-polar, with aspartic acid, which is acidic and polar, at codon 150 of the SCN1B protein (p.Gly150Asp). This variant is not present in population databases (gnomAD no frequency). This variant has not been reported in the literature in individuals affected with SCN1B-related conditions. An algorithm developed to predict the effect of missense changes on protein structure and function (PolyPhen-2) suggests that this variant is likely to be disruptive. Algorithms developed to predict the effect of sequence changes on RNA splicing suggest that this variant may disrupt the consensus splice site. In summary, the available evidence is currently insufficient to determine the role of this variant in disease. Therefore, it has been classified as a Variant of Uncertain Significance.